The following is an entry in ClinVar:

ClinVar aggregate classification (germline): Conflicting classifications of pathogenicity. Review status: criteria provided, conflicting classifications (1 of 4 stars). 5 submissions from 4 submitters: Uncertain significance (4); Likely benign (1). Last evaluated 2025-08-18.

Conditions:
Autosomal recessive ataxia, Beauce type. Also called: SYNE1 Deficiency; SYNE1-Related Autosomal Recessive Cerebellar Ataxia; Spinocerebellar ataxia, autosomal recessive 8; ATAXIA, RECESSIVE, OF BEAUCE. Identifiers: Orphanet 88644, MedGen C1853116, MONDO:0012549, OMIM 610743.
Emery-Dreifuss muscular dystrophy 4, autosomal dominant (EDMD4). Also called: EMERY-DREIFUSS MUSCULAR DYSTROPHY 4 WITH VARIABLE FEATURES. Identifiers: Orphanet 261, MedGen C2751807, MONDO:0013071, OMIM 612998.

Allele frequency attached by ClinVar (database versions not stated): gnomAD 0.00001; TOPMed 0.00001; ExAC 0.00002; gnomAD exomes 0.00003.
gnomAD v4.1: 161 of 1,614,012 alleles (0.01%); highest among the groups gnomAD compares: Non-Finnish European, 0.013%; no homozygotes.

Submissions (5):

Labcorp Genetics (formerly Invitae), Labcorp
Classification: Uncertain significance for Emery-Dreifuss muscular dystrophy 4, autosomal dominant; Autosomal recessive ataxia, Beauce type. Last evaluated: 2025-08-18. Review status: criteria provided, single submitter. Criteria: Invitae Variant Classification Sherloc (09022015). Collection method: clinical testing. Allele origin: germline.
Comment: This sequence change replaces proline, which is neutral and non-polar, with threonine, which is neutral and polar, at codon 4773 of the SYNE1 protein (p.Pro4773Thr). This variant is present in population databases (rs747838657, gnomAD 0.007%). This variant has not been reported in the literature in individuals affected with SYNE1-related conditions. ClinVar contains an entry for this variant (Variation ID: 355870). An algorithm developed to predict the effect of missense changes on protein structure and function (PolyPhen-2) suggests that this variant is likely to be tolerated. In summary, the available evidence is currently insufficient to determine the role of this variant in disease. Therefore, it has been classified as a Variant of Uncertain Significance.

Revvity Omics, Revvity
Classification: Uncertain significance. Last evaluated: 2024-02-04. Review status: criteria provided, single submitter. Criteria: ACMG Guidelines, 2015. Collection method: clinical testing. Allele origin: germline.

Athena Diagnostics
Classification: Uncertain significance. Last evaluated: 2020-05-06. Review status: criteria provided, single submitter. Criteria: Athena Diagnostics Criteria. Collection method: clinical testing. Allele origin: unknown.

Illumina Laboratory Services, Illumina
Classification: Uncertain significance for Autosomal recessive ataxia, Beauce type. Last evaluated: 2018-01-12. Review status: criteria provided, single submitter. Criteria: ICSL Variant Classification Criteria 13 December 2019. Collection method: clinical testing. Allele origin: germline.

Illumina Laboratory Services, Illumina
Classification: Likely benign for Emery-Dreifuss muscular dystrophy 4, autosomal dominant. Last evaluated: 2018-01-12. Review status: criteria provided, single submitter. Criteria: ICSL Variant Classification Criteria 13 December 2019. Collection method: clinical testing. Allele origin: germline.
Comment: This variant was observed in the ICSL laboratory as part of a predisposition screen in an ostensibly healthy population. It had not been previously curated by ICSL or reported in the Human Gene Mutation Database (HGMD: prior to June 1st, 2018), and was therefore a candidate for classification through an automated scoring system. Utilizing variant allele frequency, disease prevalence and penetrance estimates, and inheritance mode, an automated score was calculated to assess if this variant is too frequent to cause the disease. Based on the score and internal cut-off values, a variant classified as likely benign is not then subjected to further curation. The score for this variant resulted in a classification of likely benign for this disease.

NM_182961.4(SYNE1):c.14530C>A (p.Pro4844Thr)

Gene: SYNE1 (spectrin repeat containing nuclear envelope protein 1; minus strand). Cytogenetic location: 6q25.2.
Variant type: single nucleotide variant.
Coding change: c.14530C>A on transcript NM_182961.4 (MANE Select); coding-DNA position 14530, C replaced by A.
Protein change: p.Pro4844Thr; replaces proline 4844 with threonine.
Molecular consequence: missense variant.
Genome position (GRCh38, 1-based): chr6:152,330,155, G>T on the plus strand (C>A on the coding strand, the complement: SYNE1 is on the minus strand). VCF-style: chr6-152330155-G-T. GRCh37 (hg19) VCF-style: chr6-152651290-G-T.
Other names: c.14317C>A, p.Pro4773Thr (NM_033071.5); short protein forms P4773T, P4844T.
Identifiers: ClinVar variation 355870 (VCV000355870.17), dbSNP rs747838657, ClinGen allele CA4055990.